The following is an entry in ClinVar:

NM_000397.4(CYBB):c.802A>G (p.Met268Val)

Gene: CYBB (cytochrome b-245 beta chain; plus strand). Cytogenetic location: Xp21.1.
Variant type: single nucleotide variant.
Coding change: c.802A>G on transcript NM_000397.4 (MANE Select); coding-DNA position 802, A replaced by G.
Protein change: p.Met268Val; replaces methionine 268 with valine.
Molecular consequence: missense variant.
Genome position (GRCh38, 1-based): chrX:37,799,082, A>G. VCF-style: chrX-37799082-A-G. GRCh37 (hg19) VCF-style: chrX-37658335-A-G.
Other names: short protein forms M268V.
Identifiers: ClinVar variation 1037487 (VCV001037487.6), dbSNP rs1929379839, ClinGen allele CA412976752.

ClinVar aggregate classification (germline): Uncertain significance (1 of 4 stars; one submission).

Conditions:
Granulomatous disease, chronic, X-linked. Also called: GRANULOMATOUS DISEASE, CHRONIC, X-LINKED, SOMATIC MOSAIC; CYTOCHROME b-NEGATIVE GRANULOMATOUS DISEASE, CHRONIC, X-LINKED. Identifiers: Orphanet 379, MedGen C1844376, MONDO:0010600, OMIM 306400.

Allele frequency attached by ClinVar (database versions not stated): TOPMed below 0.00001.

Submission:

Labcorp Genetics (formerly Invitae), Labcorp
Classification: Uncertain significance for Granulomatous disease, chronic, X-linked. Last evaluated: 2021-08-27. Review status: criteria provided, single submitter. Criteria: Invitae Variant Classification Sherloc (09022015). Collection method: clinical testing. Allele origin: germline.
Comment: This sequence change replaces methionine with valine at codon 268 of the CYBB protein (p.Met268Val). The methionine residue is highly conserved and there is a small physicochemical difference between methionine and valine. This variant is not present in population databases (ExAC no frequency). This variant has not been reported in the literature in individuals affected with CYBB-related conditions. Algorithms developed to predict the effect of missense changes on protein structure and function are either unavailable or do not agree on the potential impact of this missense change (SIFT: "Deleterious"; PolyPhen-2: "Benign"; Align-GVGD: "Class C0"). In summary, the available evidence is currently insufficient to determine the role of this variant in disease. Therefore, it has been classified as a Variant of Uncertain Significance.